The following is an entry in ClinVar:

NM_006306.4(SMC1A):c.2360G>A (p.Arg787His)

Gene: SMC1A (structural maintenance of chromosomes 1A; minus strand). Cytogenetic location: Xp11.22.
Variant type: single nucleotide variant.
Coding change: c.2360G>A on transcript NM_006306.4 (MANE Select); coding-DNA position 2360, G replaced by A.
Protein change: p.Arg787His; replaces arginine 787 with histidine.
Molecular consequence: missense variant.
Genome position (GRCh38, 1-based): chrX:53,403,626, C>T on the plus strand (G>A on the coding strand, the complement: SMC1A is on the minus strand). VCF-style: chrX-53403626-C-T. GRCh37 (hg19) VCF-style: chrX-53430558-C-T.
Other names: c.2294G>A, p.Arg765His (NM_001281463.1); short protein forms R765H, R787H.
Identifiers: ClinVar variation 2005298 (VCV002005298.4), dbSNP rs782402477, ClinGen allele CA10420439.

ClinVar aggregate classification (germline): Uncertain significance (1 of 4 stars; one submission).

Conditions:
Congenital muscular hypertrophy-cerebral syndrome (CDLS2). Also called: SMC1A-Related Cornelia de Lange Syndrome; Cornelia de Lange syndrome 2. Identifiers: Orphanet 199, MedGen C1802395, MONDO:0010370, OMIM 300590.

Allele frequency attached by ClinVar (database versions not stated): TOPMed 0.00001.
gnomAD v4.1: 6 of 1,208,836 alleles (0.0005%); highest among the groups gnomAD compares: Non-Finnish European, 0.00067%; no homozygotes.

Submission:

Labcorp Genetics (formerly Invitae), Labcorp
Classification: Uncertain significance for Congenital muscular hypertrophy-cerebral syndrome. Last evaluated: 2022-06-19. Review status: criteria provided, single submitter. Criteria: Invitae Variant Classification Sherloc (09022015). Collection method: clinical testing. Allele origin: germline.
Comment: This sequence change replaces arginine, which is basic and polar, with histidine, which is basic and polar, at codon 787 of the SMC1A protein (p.Arg787His). This variant is not present in population databases (gnomAD no frequency). This variant has not been reported in the literature in individuals affected with SMC1A-related conditions. Advanced modeling of protein sequence and biophysical properties (such as structural, functional, and spatial information, amino acid conservation, physicochemical variation, residue mobility, and thermodynamic stability) performed at Invitae indicates that this missense variant is not expected to disrupt SMC1A protein function. In summary, the available evidence is currently insufficient to determine the role of this variant in disease. Therefore, it has been classified as a Variant of Uncertain Significance.